The following is an entry in ClinVar:

NM_018082.6(POLR3B):c.538A>T (p.Ile180Phe)

Gene: POLR3B (RNA polymerase III subunit B; plus strand). Cytogenetic location: 12q23.3.
Variant type: single nucleotide variant.
Coding change: c.538A>T on transcript NM_018082.6 (MANE Select); coding-DNA position 538, A replaced by T.
Protein change: p.Ile180Phe; replaces isoleucine 180 with phenylalanine.
Molecular consequence: missense variant.
Genome position (GRCh38, 1-based): chr12:106,378,308, A>T. VCF-style: chr12-106378308-A-T. GRCh37 (hg19) VCF-style: chr12-106772086-A-T.
Other names: c.364A>T, p.Ile122Phe (NM_001160708.2); short protein forms I122F, I180F.
Identifiers: ClinVar variation 2506688 (VCV002506688.1), dbSNP rs2542006080, ClinGen allele CA386386628.

ClinVar aggregate classification (germline): Uncertain significance (1 of 4 stars; one submission).

Submission:

GeneDx
Classification: Uncertain significance. Last evaluated: 2022-12-21. Review status: criteria provided, single submitter. Criteria: GeneDx Variant Classification Process June 2021. Collection method: clinical testing. Allele origin: germline. Affected: yes.
Comment: Not observed at significant frequency in large population cohorts (gnomAD); In silico analysis supports that this missense variant has a deleterious effect on protein structure/function; Has not been previously published as pathogenic or benign to our knowledge